The following is an entry in ClinVar:

ClinVar aggregate classification (germline): Conflicting classifications of pathogenicity. Review status: criteria provided, conflicting classifications (1 of 4 stars). 2 submissions from 2 submitters: Uncertain significance (1); Likely benign (1). Last evaluated 2025-07-01.

Allele frequency attached by ClinVar (database versions not stated): 1000 Genomes Project 30x 0.00016; 1000 Genomes Project 0.00020; TOPMed 0.00021; ESP Exome Variant Server 0.00023; gnomAD 0.00025; ExAC 0.00032; gnomAD exomes 0.00034.
gnomAD v4.1: 531 of 1,614,180 alleles (0.033%); highest among the groups gnomAD compares: Non-Finnish European, 0.042%; 1 homozygote.

Submissions (2):

CeGaT Center for Human Genetics Tuebingen
Classification: Likely benign. Last evaluated: 2025-07-01. Review status: criteria provided, single submitter. Criteria: CeGaT Center For Human Genetics Tuebingen Variant Classification Criteria Version 2. Collection method: clinical testing. Allele origin: germline. Affected: yes. Observed: 2 variant alleles.
Comment: CFAP57: BP4

Ambry Genetics
Classification: Uncertain significance. Last evaluated: 2021-10-12. Review status: criteria provided, single submitter. Criteria: Ambry Variant Classification Scheme 2023. Collection method: clinical testing. Allele origin: germline.

NM_001378189.1(CFAP57):c.1820G>A (p.Arg607His)

Genes: CFAP57 (cilia and flagella associated protein 57; plus strand), EBNA1BP2 (EBNA1 binding protein 2; minus strand), LOC105378685 (uncharacterized LOC105378685; minus strand). Cytogenetic location: 1p34.2.
Variant type: single nucleotide variant.
Coding change: c.1820G>A on transcript NM_001378189.1 (MANE Select); coding-DNA position 1820, G replaced by A.
Protein change: p.Arg607His; replaces arginine 607 with histidine.
Molecular consequence: missense variant.
Genome position (GRCh38, 1-based): chr1:43,209,807, G>A. VCF-style: chr1-43209807-G-A. GRCh37 (hg19) VCF-style: chr1-43675478-G-A.
Other names: c.1820G>A, p.Arg607His (NM_001167965.1, NM_001195831.3, NM_152498.3); short protein forms R607H.
Identifiers: ClinVar variation 2350269 (VCV002350269.24), dbSNP rs200705222, ClinGen allele CA804790.